The following is an entry in ClinVar:

NM_001040716.2(PC):c.1314G>A (p.Thr438=)

Gene: PC (pyruvate carboxylase; minus strand). Cytogenetic location: 11q13.2.
Variant type: single nucleotide variant.
Coding change: c.1314G>A on transcript NM_001040716.2 (MANE Select); coding-DNA position 1314, G replaced by A.
Protein change: p.Thr438=; no amino-acid change (threonine 438 retained).
Molecular consequence: synonymous variant.
Genome position (GRCh38, 1-based): chr11:66,863,828, C>T on the plus strand (G>A on the coding strand, the complement: PC is on the minus strand). VCF-style: chr11-66863828-C-T. GRCh37 (hg19) VCF-style: chr11-66631299-C-T.
Other names: c.1314G>A, p.Thr438= (NM_000920.4, NM_022172.3).
Identifiers: ClinVar variation 1564810 (VCV001564810.32), dbSNP rs199877852, ClinGen allele CA6131917.

ClinVar aggregate classification (germline): Likely benign. Review status: criteria provided, multiple submitters, no conflicts (2 of 4 stars). 2 submissions from 2 submitters: Likely benign (2). Last evaluated 2024-04-23.

Conditions:
Pyruvate carboxylase deficiency. Also called: Pyruvate Carboxylase Deficiency Disease; ATAXIA WITH LACTIC ACIDOSIS II; LEIGH NECROTIZING ENCEPHALOPATHY DUE TO PYRUVATE CARBOXYLASE DEFICIENCY; LEIGH SYNDROME DUE TO PYRUVATE CARBOXYLASE DEFICIENCY; PC DEFICIENCY. Identifiers: Orphanet 3008, MedGen C0034341, MONDO:0009949, OMIM 266150.

Allele frequency attached by ClinVar (database versions not stated): gnomAD exomes below 0.00001; ExAC 0.00001; gnomAD 0.00001; 1000 Genomes Project 30x 0.00016; 1000 Genomes Project 0.00020.
gnomAD v4.1: 3 of 1,613,756 alleles (0.00019%); highest among the groups gnomAD compares: East Asian, 0.0022%; no homozygotes.

Submissions (2):

Labcorp Genetics (formerly Invitae), Labcorp
Classification: Likely benign for Pyruvate carboxylase deficiency. Last evaluated: 2024-04-23. Review status: criteria provided, single submitter. Criteria: Invitae Variant Classification Sherloc (09022015). Collection method: clinical testing. Allele origin: germline.

CeGaT Center for Human Genetics Tuebingen
Classification: Likely benign. Last evaluated: 2022-05-01. Review status: criteria provided, single submitter. Criteria: CeGaT Center For Human Genetics Tuebingen Variant Classification Criteria Version 2. Collection method: clinical testing. Allele origin: germline. Affected: yes. Observed: 1 variant allele.
Comment: PC: BP4, BP7